The following is an entry in ClinVar:

ClinVar aggregate classification (germline): Uncertain significance (1 of 4 stars; one submission).

Allele frequency attached by ClinVar (database versions not stated): gnomAD exomes 0.00001; ExAC 0.00002; TOPMed 0.00002; ESP Exome Variant Server 0.00008.
gnomAD v4.1: 23 of 1,614,200 alleles (0.0014%); highest among the groups gnomAD compares: Admixed American, 0.0033%; no homozygotes.

Submission:

Labcorp Genetics (formerly Invitae), Labcorp
Classification: Uncertain significance. Last evaluated: 2022-01-03. Review status: criteria provided, single submitter. Criteria: Invitae Variant Classification Sherloc (09022015). Collection method: clinical testing. Allele origin: germline.
Comment: This variant is present in population databases (rs375997338, gnomAD 0.006%). This sequence change replaces threonine, which is neutral and polar, with methionine, which is neutral and non-polar, at codon 263 of the JAK1 protein (p.Thr263Met). This variant has not been reported in the literature in individuals affected with JAK1-related conditions. In summary, the available evidence is currently insufficient to determine the role of this variant in disease. Therefore, it has been classified as a Variant of Uncertain Significance. Experimental studies and prediction algorithms are not available or were not evaluated, and the functional significance of this variant is currently unknown.

NM_002227.4(JAK1):c.788C>T (p.Thr263Met)

Gene: JAK1 (Janus kinase 1; minus strand). Cytogenetic location: 1p31.3.
Variant type: single nucleotide variant.
Coding change: c.788C>T on transcript NM_002227.4 (MANE Select); coding-DNA position 788, C replaced by T.
Protein change: p.Thr263Met; replaces threonine 263 with methionine.
Molecular consequence: missense variant.
Genome position (GRCh38, 1-based): chr1:64,867,068, G>A on the plus strand (C>T on the coding strand, the complement: JAK1 is on the minus strand). VCF-style: chr1-64867068-G-A. GRCh37 (hg19) VCF-style: chr1-65332751-G-A.
Other names: c.788C>T, p.Thr263Met (NM_001320923.2, NM_001321852.2, NM_001321853.2 and 4 more transcripts); short protein forms T263M.
Identifiers: ClinVar variation 2143191 (VCV002143191.4), dbSNP rs375997338, ClinGen allele CA893089.